The following is an entry in ClinVar:

ClinVar aggregate classification (germline): Uncertain significance. Review status: criteria provided, multiple submitters, no conflicts (2 of 4 stars). 3 submissions from 3 submitters: Uncertain significance (3). Last evaluated 2025-07-30.

Conditions:
Ataxia-telangiectasia syndrome (AT). Also called: Ataxia telangiectasia (A-T); Ataxia-telangiectasia, complementation group D; ATAXIA-TELANGIECTASIA, COMPLEMENTATION GROUP A; ATAXIA-TELANGIECTASIA, FRESNO VARIANT; Ataxia-telangiectasia, complementation group E; LOUIS-BAR SYNDROME. Identifiers: Orphanet 100, MedGen C0004135, MONDO:0008840, OMIM 208900.
Hereditary cancer-predisposing syndrome. Also called: Hereditary Cancer Syndrome; Hereditary neoplastic syndrome; Neoplastic Syndromes, Hereditary; Tumor predisposition. Identifiers: Orphanet 140162, MedGen C0027672, MeSH D009386, MONDO:0015356.

Allele frequency attached by ClinVar (database versions not stated): gnomAD exomes below 0.00001.
gnomAD v4.1: 1 of 1,613,954 alleles (0.000062%); highest among the groups gnomAD compares: African/African-American, 0.0013%; no homozygotes.

Submissions (3):

Labcorp Genetics (formerly Invitae), Labcorp
Classification: Uncertain significance for Ataxia-telangiectasia syndrome. Last evaluated: 2025-07-30. Review status: criteria provided, single submitter. Criteria: Invitae Variant Classification Sherloc (09022015). Collection method: clinical testing. Allele origin: germline.
Comment: This sequence change replaces asparagine, which is neutral and polar, with aspartic acid, which is acidic and polar, at codon 1326 of the ATM protein (p.Asn1326Asp). This variant is not present in population databases (gnomAD no frequency). This variant has not been reported in the literature in individuals affected with ATM-related conditions. ClinVar contains an entry for this variant (Variation ID: 2998430). Invitae Evidence Modeling of protein sequence and biophysical properties (such as structural, functional, and spatial information, amino acid conservation, physicochemical variation, residue mobility, and thermodynamic stability) indicates that this missense variant is not expected to disrupt ATM protein function with a negative predictive value of 95%. In summary, the available evidence is currently insufficient to determine the role of this variant in disease. Therefore, it has been classified as a Variant of Uncertain Significance.

Ambry Genetics
Classification: Uncertain significance for Hereditary cancer-predisposing syndrome. Last evaluated: 2025-07-28. Review status: criteria provided, single submitter. Criteria: Ambry Variant Classification Scheme 2023. Collection method: clinical testing. Allele origin: germline.
Comment: The p.N1326D variant (also known as c.3976A>G), located in coding exon 25 of the ATM gene, results from an A to G substitution at nucleotide position 3976. The asparagine at codon 1326 is replaced by aspartic acid, an amino acid with highly similar properties. This amino acid position is conserved. In addition, this alteration is predicted to be tolerated by in silico analysis. Based on the available evidence, the clinical significance of this variant remains unclear.

GeneDx
Classification: Uncertain significance. Last evaluated: 2023-12-18. Review status: criteria provided, single submitter. Criteria: GeneDx Variant Classification Process June 2021. Collection method: clinical testing. Allele origin: germline. Affected: yes.
Comment: Not observed at significant frequency in large population cohorts (gnomAD); In silico analysis supports that this missense variant does not alter protein structure/function; Has not been previously published as pathogenic or benign to our knowledge

NM_000051.4(ATM):c.3976A>G (p.Asn1326Asp)

Gene: ATM (ATM serine/threonine kinase; plus strand). Cytogenetic location: 11q22.3.
Variant type: single nucleotide variant.
Coding change: c.3976A>G on transcript NM_000051.4 (MANE Select); coding-DNA position 3976, A replaced by G.
Protein change: p.Asn1326Asp; replaces asparagine 1326 with aspartic acid.
Molecular consequence: missense variant.
Genome position (GRCh38, 1-based): chr11:108,284,456, A>G. VCF-style: chr11-108284456-A-G. GRCh37 (hg19) VCF-style: chr11-108155183-A-G.
Other names: c.3976A>G, p.Asn1326Asp (NM_001351834.2); short protein forms N1326D.
Identifiers: ClinVar variation 2998430 (VCV002998430.5), dbSNP rs2135709799, ClinGen allele CA382526202.